The following is an entry in ClinVar:

NM_001148.6(ANK2):c.2396C>T (p.Ala799Val)

Gene: ANK2 (ankyrin 2; plus strand). Cytogenetic location: 4q26.
Variant type: single nucleotide variant.
Coding change: c.2396C>T on transcript NM_001148.6 (MANE Select); coding-DNA position 2396, C replaced by T.
Protein change: p.Ala799Val; replaces alanine 799 with valine.
Molecular consequence: missense variant.
Genome position (GRCh38, 1-based): chr4:113,293,459, C>T. VCF-style: chr4-113293459-C-T. GRCh37 (hg19) VCF-style: chr4-114214615-C-T.
Other names: c.2333C>T, p.Ala778Val (NM_001127493.3, NM_001354239.2, NM_001354256.2 and 10 more transcripts); c.2396C>T, p.Ala799Val (NM_001354225.2, NM_001354228.2, NM_001354232.2 and 6 more transcripts); c.2441C>T, p.Ala814Val (NM_001354230.2, NM_001354231.2, NM_001354237.2 and 5 more transcripts); c.2234C>T, p.Ala745Val (NM_001354257.2, NM_001386156.1, NM_001354253.2 and 1 more transcripts); c.2210C>T, p.Ala737Val (NM_001354260.2, NM_001386151.1, NM_001354271.2); c.2354C>T, p.Ala785Val (NM_001354261.2, NM_001386160.1, NM_001386147.1); c.2309C>T, p.Ala770Val (NM_001354264.2, NM_001354266.2, NM_001386142.1 and 10 more transcripts); c.2111C>T, p.Ala704Val (NM_001354277.2, NM_001386157.1); and 9 more; short protein forms A778V, A799V, A733V, A745V, A785V, A770V, A814V, A704V.
Identifiers: ClinVar variation 496108 (VCV000496108.3), dbSNP rs776957456, ClinGen allele CA3050563.

ClinVar aggregate classification (germline): Uncertain significance. Review status: criteria provided, multiple submitters, no conflicts (2 of 4 stars). 2 submissions from 2 submitters: Uncertain significance (2). Last evaluated 2024-08-01.

Conditions:
Long QT syndrome (LQTS). Identifiers: MedGen C0023976, MeSH D008133, MONDO:0002442. Disease mechanism: loss of function. Inheritance: Various modes of inheritance.

Allele frequency attached by ClinVar (database versions not stated): gnomAD below 0.00001 and 0.00001; TOPMed below 0.00001; gnomAD exomes 0.00001; ExAC 0.00002.
gnomAD v4.1: 12 of 1,613,424 alleles (0.00074%); highest among the groups gnomAD compares: South Asian, 0.0055%; no homozygotes.

Submissions (2):

Labcorp Genetics (formerly Invitae), Labcorp
Classification: Uncertain significance for Long QT syndrome. Last evaluated: 2024-08-01. Review status: criteria provided, single submitter. Criteria: Invitae Variant Classification Sherloc (09022015). Collection method: clinical testing. Allele origin: germline.
Comment: This sequence change replaces alanine, which is neutral and non-polar, with valine, which is neutral and non-polar, at codon 799 of the ANK2 protein (p.Ala799Val). This variant is present in population databases (rs776957456, gnomAD 0.007%). This variant has not been reported in the literature in individuals affected with ANK2-related conditions. ClinVar contains an entry for this variant (Variation ID: 496108). Advanced modeling of protein sequence and biophysical properties (such as structural, functional, and spatial information, amino acid conservation, physicochemical variation, residue mobility, and thermodynamic stability) performed at Invitae indicates that this missense variant is not expected to disrupt ANK2 protein function with a negative predictive value of 80%. In summary, the available evidence is currently insufficient to determine the role of this variant in disease. Therefore, it has been classified as a Variant of Uncertain Significance.

Women's Health and Genetics/Laboratory Corporation of America, LabCorp
Classification: Uncertain significance. Last evaluated: 2016-01-13. Review status: criteria provided, single submitter. Criteria: LabCorp Variant Classification Summary - May 2015. Collection method: clinical testing. Allele origin: germline.